The following is an entry in ClinVar:

ClinVar aggregate classification (germline): Benign (0 of 4 stars; one submission).

Conditions:
SEMA3F-related disorder. Also called: SEMA3F-related condition.

Allele frequency attached by ClinVar (database versions not stated): ExAC 0.01259; 1000 Genomes Project 0.04273; 1000 Genomes Project 30x 0.04482; TOPMed 0.04514; ESP Exome Variant Server 0.04836.

Submission:

PreventionGenetics, part of Exact Sciences
Classification: Benign for SEMA3F-related condition. Last evaluated: 2022-11-22. Review status: no assertion criteria provided. Collection method: clinical testing. Allele origin: germline.
Comment: This variant is classified as benign based on ACMG/AMP sequence variant interpretation guidelines (Richards et al. 2015 PMID: 25741868, with internal and published modifications).

NM_004186.5(SEMA3F):c.43G>C (p.Gly15Arg)

Gene: SEMA3F (semaphorin 3F; plus strand). Cytogenetic location: 3p21.31.
Variant type: single nucleotide variant.
Coding change: c.43G>C on transcript NM_004186.5 (MANE Select); coding-DNA position 43, G replaced by C.
Protein change: p.Gly15Arg; replaces glycine 15 with arginine.
Molecular consequence: missense variant. On other transcripts: intron variant (1).
Genome position (GRCh38, 1-based): chr3:50,159,665, G>C. VCF-style: chr3-50159665-G-C. GRCh37 (hg19) VCF-style: chr3-50197098-G-C.
Other names: c.43G>C, p.Gly15Arg (NM_001318800.2); c.-135-27G>C (NM_001318798.2); short protein forms G15R.
Identifiers: ClinVar variation 3057219 (VCV003057219.2), dbSNP rs61751940, ClinGen allele CA2411606.